The following is an entry in ClinVar:

NM_004563.4(PCK2):c.1823G>A (p.Arg608His)

Genes: NRL (neural retina leucine zipper; minus strand), PCK2 (phosphoenolpyruvate carboxykinase 2, mitochondrial; plus strand). Cytogenetic location: 14q12.
Variant type: single nucleotide variant.
Coding change: c.1823G>A on transcript NM_004563.4 (MANE Select); coding-DNA position 1823, G replaced by A.
Protein change: p.Arg608His; replaces arginine 608 with histidine.
Molecular consequence: missense variant. On other transcripts: intron variant (3).
Genome position (GRCh38, 1-based): chr14:24,103,864, G>A. VCF-style: chr14-24103864-G-A. GRCh37 (hg19) VCF-style: chr14-24573073-G-A.
Other names: c.1421G>A, p.Arg474His (NM_001291556.2, NM_001308054.2); c.-28+10858C>T (NM_001354768.3, NM_001354770.2); c.-254+10858C>T (NM_006177.5); short protein forms R608H, R474H.
Identifiers: ClinVar variation 2163244 (VCV002163244.4), dbSNP rs149831874, ClinGen allele CA7123644.
Genomic context (GRCh38, chr14:24,103,864, plus strand): 5'-GAGCTATAGACACCACTCAGCTGTTCTCCCTCCCCAAGGACTTCTGGGAACAGGAGGTTC[G>A]TGACATTCGGAGCTACCTGACAGAGCAGGTCAACCAGGATCTGCCCAAAGAGGTGTTGGC-3'
Protein context (NP_004554.3, residues 598-618): LPKDFWEQEV[Arg608His]DIRSYLTEQV

ClinVar aggregate classification (germline): Uncertain significance (1 of 4 stars; one submission).

Allele frequency attached by ClinVar (database versions not stated): ExAC 0.00006; gnomAD 0.00006; TOPMed 0.00006; ESP Exome Variant Server 0.00023.
gnomAD v4.1: 42 of 1,614,024 alleles (0.0026%); highest among the groups gnomAD compares: East Asian, 0.016%; no homozygotes.

Submission:

Labcorp Genetics (formerly Invitae), Labcorp
Classification: Uncertain significance. Last evaluated: 2022-07-13. Review status: criteria provided, single submitter. Criteria: Invitae Variant Classification Sherloc (09022015). Collection method: clinical testing. Allele origin: germline.
Comment: In summary, the available evidence is currently insufficient to determine the role of this variant in disease. Therefore, it has been classified as a Variant of Uncertain Significance. Algorithms developed to predict the effect of missense changes on protein structure and function output the following: SIFT: "Deleterious"; PolyPhen-2: "Possibly Damaging"; Align-GVGD: "Class C0". The histidine amino acid residue is found in multiple mammalian species, which suggests that this missense change does not adversely affect protein function. This variant has not been reported in the literature in individuals affected with PCK2-related conditions. This variant is present in population databases (rs149831874, gnomAD 0.02%). This sequence change replaces arginine, which is basic and polar, with histidine, which is basic and polar, at codon 608 of the PCK2 protein (p.Arg608His).